The following is an entry in ClinVar:

NM_007294.4(BRCA1):c.442-1770C>G

Gene: BRCA1 (BRCA1 DNA repair associated; minus strand). Cytogenetic location: 17q21.31.
Variant type: single nucleotide variant.
Coding change: c.442-1770C>G on transcript NM_007294.4 (MANE Select); 1770 bases into the intron before coding-DNA position 442, C replaced by G.
Molecular consequence: intron variant.
Genome position (GRCh38, 1-based): chr17:43,101,650, G>C on the plus strand (C>G on the coding strand, the complement: BRCA1 is on the minus strand). VCF-style: chr17-43101650-G-C. GRCh37 (hg19) VCF-style: chr17-41253667-G-C.
Other names: IVS 7-1770C>G; c.442-1773C>G (NM_001408396.1, NM_001407985.1, NM_001407644.1 and 65 more transcripts); c.442-1770C>G (NM_001408494.1, NM_001408444.1, NM_001408438.1 and 96 more transcripts); c.232-1770C>G (NM_001408492.1, NM_001407889.1, NM_001408513.1 and 37 more transcripts); c.301-1773C>G (NM_001408468.1, NM_001407842.1, NM_001407749.1 and 35 more transcripts); c.301-1770C>G (NM_001408501.1, NM_001408455.1, NM_001407731.1 and 61 more transcripts); c.-218-6790C>G (NM_001407966.1, NM_001407967.1); c.61-1770C>G (NM_001407963.1, NM_001407960.1, NM_001407965.1 and 3 more transcripts); and 6 more.
Identifiers: ClinVar variation 209476 (VCV000209476.2), dbSNP rs142854457, ClinGen allele CA276446.

ClinVar aggregate classification (germline): Benign (3 of 4 stars; one submission).

Conditions:
Breast-ovarian cancer, familial, susceptibility to, 1 (BROVCA1). Also called: BRCA1 Hereditary Breast and Ovarian Cancer; OVARIAN CANCER, SUSCEPTIBILITY TO. Identifiers: Orphanet 145, MedGen C2676676, MONDO:0011450, OMIM 604370. Disease mechanism: loss of function.

Allele frequency attached by ClinVar (database versions not stated): 1000 Genomes Project 0.01558; 1000 Genomes Project 30x 0.01577; TOPMed 0.01627.
gnomAD v4.1: 2,138 of 151,434 alleles (1.4%); highest among the groups gnomAD compares: African/African-American, 4.9%; 54 homozygotes.

Submission:

Evidence-based Network for the Interpretation of Germline Mutant Alleles (ENIGMA)
Classification: Benign for Breast-ovarian cancer, familial 1. Last evaluated: 2015-01-12. Review status: reviewed by expert panel. Criteria: ENIGMA BRCA1/2 Classification Criteria (2015). Collection method: curation. Allele origin: germline.
Comment: Class 1 not pathogenic based on frequency >1% in an outbred sampleset. Frequency 0.08333 (African), derived from 1000 genomes (2012-04-30).